The following is an entry in ClinVar:

NM_001286577.2(C2CD3):c.5566T>C (p.Ser1856Pro)

Gene: C2CD3 (C2 domain containing 3 centriole elongation regulator; minus strand). Cytogenetic location: 11q13.4.
Variant type: single nucleotide variant.
Coding change: c.5566T>C on transcript NM_001286577.2 (MANE Select); coding-DNA position 5566, T replaced by C.
Protein change: p.Ser1856Pro; replaces serine 1856 with proline.
Molecular consequence: missense variant.
Genome position (GRCh38, 1-based): chr11:74,042,148, A>G on the plus strand (T>C on the coding strand, the complement: C2CD3 is on the minus strand). VCF-style: chr11-74042148-A-G. GRCh37 (hg19) VCF-style: chr11-73753193-A-G.
Other names: c.5566T>C, p.Ser1856Pro (NM_015531.6); short protein forms S1856P.
Identifiers: ClinVar variation 1961875 (VCV001961875.3), dbSNP rs1953094328, ClinGen allele CA381824922.

ClinVar aggregate classification (germline): Uncertain significance (1 of 4 stars; one submission).

Allele frequency attached by ClinVar (database versions not stated): gnomAD exomes below 0.00001; TOPMed below 0.00001.
gnomAD v4.1: 1 of 1,610,922 alleles (0.000062%); highest among the groups gnomAD compares: Non-Finnish European, 0.000085%; no homozygotes.

Submission:

Labcorp Genetics (formerly Invitae), Labcorp
Classification: Uncertain significance. Last evaluated: 2023-07-21. Review status: criteria provided, single submitter. Criteria: Invitae Variant Classification Sherloc (09022015). Collection method: clinical testing. Allele origin: germline.
Comment: In summary, the available evidence is currently insufficient to determine the role of this variant in disease. Therefore, it has been classified as a Variant of Uncertain Significance. Advanced modeling of protein sequence and biophysical properties (such as structural, functional, and spatial information, amino acid conservation, physicochemical variation, residue mobility, and thermodynamic stability) performed at Invitae indicates that this missense variant is expected to disrupt C2CD3 protein function. ClinVar contains an entry for this variant (Variation ID: 1961875). This variant has not been reported in the literature in individuals affected with C2CD3-related conditions. This variant is not present in population databases (gnomAD no frequency). This sequence change replaces serine, which is neutral and polar, with proline, which is neutral and non-polar, at codon 1856 of the C2CD3 protein (p.Ser1856Pro).